The following is an entry in ClinVar:

NM_153704.6(TMEM67):c.1575+5G>A

Gene: TMEM67 (transmembrane protein 67; plus strand). Cytogenetic location: 8q22.1.
Variant type: single nucleotide variant.
Coding change: c.1575+5G>A on transcript NM_153704.6 (MANE Select); 5 bases into the intron after coding-DNA position 1575, G replaced by A.
Molecular consequence: intron variant.
Genome position (GRCh38, 1-based): chr8:93,791,324, G>A. VCF-style: chr8-93791324-G-A. GRCh37 (hg19) VCF-style: chr8-94803552-G-A.
Other names: splice site; c.1332+5G>A (NM_001142301.1).
Identifiers: ClinVar variation 495328 (VCV000495328.2), dbSNP rs1554555063, ClinGen allele CA658683514.
Genomic context (GRCh38, chr8:93,791,324, plus strand): 5'-TTTCTTTCTCAGTCACATATGAAATGGATCATGGAGAAGCACATGTCCAGACAGATGTAA[G>A]TTTATTTTAACCTTTTAAAATATATACAGTGTATTTTATAATTAAATGATTTCAGATGTG-3'

ClinVar aggregate classification (germline): Conflicting classifications of pathogenicity. Review status: criteria provided, conflicting classifications (1 of 4 stars). 2 submissions from 2 submitters: Likely pathogenic (1); Uncertain significance (1). Last evaluated 2022-07-15.

Conditions:
Joubert syndrome 6 (JBTS6). Identifiers: Orphanet 475, MedGen C1853153, MONDO:0012539, OMIM 610688.

Submissions (2):

Women's Health and Genetics/Laboratory Corporation of America, LabCorp
Classification: Uncertain significance. Last evaluated: 2022-07-15. Review status: criteria provided, single submitter. Criteria: LabCorp Variant Classification Summary - May 2015. Collection method: clinical testing. Allele origin: germline.
Comment: Variant summary: TMEM67 c.1575+5G>A alters a conserved nucleotide located close to a canonical splice site and therefore could affect mRNA splicing, leading to a significantly altered protein sequence. Several computational tools predict a significant impact on normal splicing: One predict the variant abolishes a 5 prime splicing donor site; two predict the variant weakens a 5 prime donor site. However, these predictions have yet to be confirmed by functional studies. The variant was absent in 247428 control chromosomes. The available data on variant occurrences in the general population are insufficient to allow any conclusion about variant significance. To our knowledge, no occurrence of c.1575+5G>A in individuals affected with Joubert Syndrome And Related Disorders and no experimental evidence demonstrating its impact on protein function have been reported. One clinical diagnostic laboratory has submitted clinical-significance assessments for this variant to ClinVar after 2014 without evidence for independent evaluation. One laboratory classified the variant as likely pathogenic. Based on the evidence outlined above, the variant was classified as uncertain significance.

Broad Center for Mendelian Genomics, Broad Institute of MIT and Harvard
Classification: Likely pathogenic for Joubert syndrome 6. Last evaluated: 2017-06-26. Review status: criteria provided, single submitter. Criteria: ACMG Guidelines, 2015. Collection method: research. Allele origin: germline. Inheritance: Autosomal recessive inheritance. Affected: yes. Observed: 1 variant allele. Study: Broad Institute Center for Mendelian Genomics (CMG).
Comment: Despite not meeting strict ACMG criteria for Likely Pathogenic, we believe this is the correct classification, due to the specificity of the phenotype (PP4) as well as PM2: Absent from gnomAD (reasonable coverage, exomes 40X, genomes 30X). PM3: Observed in trans with a pathogenic variant. PP3 donor +5 position predicted to disrupt splicing.